The following is an entry in ClinVar:

ClinVar aggregate classification (germline): Likely benign. Review status: criteria provided, multiple submitters, no conflicts (2 of 4 stars). 2 submissions from 2 submitters: Likely benign (2). Last evaluated 2023-09-17.

Conditions:
Malignant hyperthermia, susceptibility to, 1 (MHS1). Also called: Anesthesia related hyperthermia; Malignant hyperpyrexia; Fulminating hyperpyrexia; Pharmacogenic myopathy; RYR1-Related Malignant Hyperthermia Susceptibility; Malignant hyperthermia suceptibility 1. Identifiers: Orphanet 423, MedGen C2930980, MONDO:0007783, OMIM 145600.
RYR1-related disorder. Also called: RYR1-related disorders; RYR1-related condition. Identifiers: MedGen CN239331.

Allele frequency attached by ClinVar (database versions not stated): gnomAD exomes below 0.00001; TOPMed 0.00001.
gnomAD v4.1: 1 of 1,614,044 alleles (0.000062%); highest among the groups gnomAD compares: East Asian, 0.0022%; no homozygotes.

Submissions (2):

All of Us Research Program, National Institutes of Health
Classification: Likely benign for Malignant hyperthermia, susceptibility to, 1. Last evaluated: 2023-09-17. Review status: criteria provided, single submitter. Criteria: ACMG Guidelines, 2015. Collection method: clinical testing. Allele origin: germline. Inheritance: Autosomal dominant inheritance. Observed: 1 variant allele, 1 heterozygote.
Comment: This study involves interpretation of variants in research participants for the purpose of population health screening. Participant phenotype was not available at the time of variant classification. Additional details can be found in publication PMID: 35346344, PMCID: PMC8962531

Labcorp Genetics (formerly Invitae), Labcorp
Classification: Likely benign for RYR1-related disorder. Last evaluated: 2023-09-08. Review status: criteria provided, single submitter. Criteria: Invitae Variant Classification Sherloc (09022015). Collection method: clinical testing. Allele origin: germline.

NM_000540.3(RYR1):c.7314A>G (p.Pro2438=)

Gene: RYR1 (ryanodine receptor 1; plus strand). Cytogenetic location: 19q13.2.
Variant type: single nucleotide variant.
Coding change: c.7314A>G on transcript NM_000540.3 (MANE Select); coding-DNA position 7314, A replaced by G.
Protein change: p.Pro2438=; no amino-acid change (proline 2438 retained).
Molecular consequence: synonymous variant.
Genome position (GRCh38, 1-based): chr19:38,500,007, A>G. VCF-style: chr19-38500007-A-G. GRCh37 (hg19) VCF-style: chr19-38990647-A-G.
Other names: c.7314A>G, p.Pro2438= (NM_001042723.2).
Identifiers: ClinVar variation 2891394 (VCV002891394.4), dbSNP rs1471067462, ClinGen allele CA507353807.